The following is an entry in ClinVar:

NM_019098.5(CNGB3):c.250_262del (p.Thr84fs)

Gene: CNGB3 (cyclic nucleotide gated channel subunit beta 3; minus strand). Cytogenetic location: 8q21.3.
Variant type: Deletion.
Coding change: c.250_262del on transcript NM_019098.5 (MANE Select); coding-DNA positions 250 to 262, 13 bases deleted (ACAAACCCTGACC).
Protein change: p.Thr84fs; shifts the reading frame from threonine 84.
Molecular consequence: frameshift variant.
Genome position (GRCh38, 1-based): chr8:86,726,607-86,726,619, GGTCAGGGTTTGT deleted on the plus strand (ACAAACCCTGACC on the coding strand, the reverse complement: CNGB3 is on the minus strand); deleting any 13 consecutive bases within chr8:86,726,607-86,726,625 gives the same sequence; the c. name uses the placement nearest the transcript's 3' end. VCF-style (leftmost placement, unchanged base first): chr8-86726606-GGGTCAGGGTTTGT-G. GRCh37 (hg19) VCF-style: chr8-87738834-GGGTCAGGGTTTGT-G.
Other names: short protein forms T84fs.
Identifiers: ClinVar variation 1453998 (VCV001453998.6), dbSNP rs2131672039, ClinGen allele CA2573143417.

ClinVar aggregate classification (germline): Pathogenic (1 of 4 stars; one submission).

Submission:

Labcorp Genetics (formerly Invitae), Labcorp
Classification: Pathogenic. Last evaluated: 2022-07-18. Review status: criteria provided, single submitter. Criteria: Invitae Variant Classification Sherloc (09022015). Collection method: clinical testing. Allele origin: germline.
Comment: This sequence change creates a premature translational stop signal (p.Thr84Leufs*37) in the CNGB3 gene. It is expected to result in an absent or disrupted protein product. Loss-of-function variants in CNGB3 are known to be pathogenic (PMID: 28795510). This variant is not present in population databases (gnomAD no frequency). This variant has not been reported in the literature in individuals affected with CNGB3-related conditions. ClinVar contains an entry for this variant (Variation ID: 1453998). For these reasons, this variant has been classified as Pathogenic.

Literature cited by the submitters: PubMed 28795510.